The following is an entry in ClinVar:

NM_001376.5(DYNC1H1):c.13408C>T (p.Pro4470Ser)

Gene: DYNC1H1 (dynein cytoplasmic 1 heavy chain 1; plus strand). Cytogenetic location: 14q32.31.
Variant type: single nucleotide variant.
Coding change: c.13408C>T on transcript NM_001376.5 (MANE Select); coding-DNA position 13408, C replaced by T.
Protein change: p.Pro4470Ser; replaces proline 4470 with serine.
Molecular consequence: missense variant.
Genome position (GRCh38, 1-based): chr14:102,049,475, C>T. VCF-style: chr14-102049475-C-T. GRCh37 (hg19) VCF-style: chr14-102515812-C-T.
Other names: c.13408C>T (NM_001376.4); short protein forms P4470S.
Identifiers: ClinVar variation 1363072 (VCV001363072.10), dbSNP rs150906249, ClinGen allele CA7354241.

ClinVar aggregate classification (germline): Conflicting classifications of pathogenicity. Review status: criteria provided, conflicting classifications (1 of 4 stars). 3 submissions from 3 submitters: Uncertain significance (2); Likely benign (1). Last evaluated 2024-09-17.

Conditions:
Charcot-Marie-Tooth disease axonal type 2O. Also called: CHARCOT-MARIE-TOOTH NEUROPATHY, AXONAL, TYPE 2O; CHARCOT-MARIE-TOOTH DISEASE, AXONAL, AUTOSOMAL DOMINANT, TYPE 2O; Charcot-Marie-Tooth Neuropathy Type 2O; Charcot-Marie-Tooth disease, axonal, type 20. Identifiers: Orphanet 284232, MedGen C3280220, MONDO:0013644, OMIM 614228.
Inborn genetic diseases. Identifiers: MedGen C0950123, MeSH D030342.

Allele frequency attached by ClinVar (database versions not stated): gnomAD 0.00001; gnomAD exomes 0.00001; TOPMed 0.00001; ExAC 0.00002; ESP Exome Variant Server 0.00008.
gnomAD v4.1: 14 of 1,614,070 alleles (0.00087%); highest among the groups gnomAD compares: Non-Finnish European, 0.0012%; no homozygotes.

Submissions (3):

Labcorp Genetics (formerly Invitae), Labcorp
Classification: Likely benign for Charcot-Marie-Tooth disease axonal type 2O. Last evaluated: 2024-09-17. Review status: criteria provided, single submitter. Criteria: Invitae Variant Classification Sherloc (09022015). Collection method: clinical testing. Allele origin: germline.

Athena Diagnostics
Classification: Uncertain significance. Last evaluated: 2022-11-14. Review status: criteria provided, single submitter. Criteria: Athena Diagnostics Criteria. Collection method: clinical testing. Allele origin: unknown.
Comment: Available data are insufficient to determine the clinical significance of the variant at this time. The frequency of this variant in the general population is uninformative in assessment of its pathogenicity. Computational tools predict that this variant is damaging.

Ambry Genetics
Classification: Uncertain significance for Inborn genetic diseases. Last evaluated: 2022-02-24. Review status: criteria provided, single submitter. Criteria: Ambry Variant Classification Scheme 2023. Collection method: clinical testing. Allele origin: germline.